The following is an entry in ClinVar:

ClinVar aggregate classification (germline): Conflicting classifications of pathogenicity. Review status: criteria provided, conflicting classifications (1 of 4 stars). 2 submissions from 2 submitters: Likely pathogenic (1); Uncertain significance (1). Last evaluated 2024-10-18.

Conditions:
Autosomal recessive limb-girdle muscular dystrophy type 2J (LGMDR10). Also called: Limb-girdle muscular dystrophy, type 2J; MUSCULAR DYSTROPHY, LIMB-GIRDLE, AUTOSOMAL RECESSIVE 10. Identifiers: Orphanet 140922, MedGen C1837342, MONDO:0012127, OMIM 608807.
Dilated cardiomyopathy 1G (CMD1G). Identifiers: Orphanet 154, MedGen C1858763, MONDO:0011400, OMIM 604145.

Submissions (2):

Labcorp Genetics (formerly Invitae), Labcorp
Classification: Likely pathogenic for Dilated cardiomyopathy 1G; Autosomal recessive limb-girdle muscular dystrophy type 2J. Last evaluated: 2024-10-18. Review status: criteria provided, single submitter. Criteria: Invitae Variant Classification Sherloc (09022015). Collection method: clinical testing. Allele origin: germline.
Comment: This sequence change creates a premature translational stop signal (p.Val9701Cysfs*24) in the TTN gene. While this is not anticipated to result in nonsense mediated decay, it is expected to create a truncated TTN protein. This variant is not present in population databases (gnomAD no frequency). This premature translational stop signal has been observed in individual(s) with clinical features of autosomal recessive congenital titinopathy (PMID: 29691892). ClinVar contains an entry for this variant (Variation ID: 199249). This variant is located in the I band of TTN (PMID: 25589632). Truncating variants in this region have been reported in individuals affected with autosomal recessive centronuclear myopathy (PMID: 23975875, internal data). Truncating variants in this region have also been identified in individuals affected with autosomal dominant dilated cardiomyopathy and/or cardio-related conditions (PMID: 27869827, 32964742, internal data). In summary, the currently available evidence indicates that the variant is pathogenic, but additional data are needed to prove that conclusively. Therefore, this variant has been classified as Likely Pathogenic.

Eurofins Ntd Llc (ga)
Classification: Uncertain significance. Last evaluated: 2014-06-02. Review status: criteria provided, single submitter. Criteria: EGL Classification Definitions. Collection method: clinical testing. Allele origin: germline. Observed: 2 variant alleles, 2 heterozygotes.

Literature cited by the submitters: PubMed 29691892 (cited by Labcorp Genetics (formerly Invitae), Labcorp); PubMed 25589632 (cited by Labcorp Genetics (formerly Invitae), Labcorp); PubMed 23975875 (cited by Labcorp Genetics (formerly Invitae), Labcorp); PubMed 27869827 (cited by Labcorp Genetics (formerly Invitae), Labcorp); PubMed 32964742 (cited by Labcorp Genetics (formerly Invitae), Labcorp).

NM_001267550.2(TTN):c.29100dup (p.Val9701fs)

Gene: TTN (titin; minus strand). Cytogenetic location: 2q31.2.
Variant type: Duplication.
Coding change: c.29100dup on transcript NM_001267550.2 (MANE Select); coding-DNA position 29100, one base duplicated (T; older notation c.29100dupT).
Protein change: p.Val9701fs; shifts the reading frame from valine 9701.
Molecular consequence: frameshift variant. On other transcripts: intron variant (3).
Genome position (GRCh38, 1-based): chr2:178,706,896, A duplicated on the plus strand (T on the coding strand, the reverse complement: TTN is on the minus strand); the first of 6 consecutive A bases (chr2:178,706,896-178,706,901); duplicating any one gives the same sequence. VCF-style (leftmost placement, unchanged base first): chr2-178706895-C-CA. GRCh37 (hg19) VCF-style: chr2-179571622-C-CA.
Other names: c.28149dup, p.Val9384fs (NM_001256850.1); c.25368dup, p.Val8457fs (NM_133378.4); c.13282+31181dup (NM_003319.4); c.13858+31181dup (NM_133437.4); c.13657+31181dup (NM_133432.3); short protein forms V8457fs, V9384fs, V9701fs.
Identifiers: ClinVar variation 199249 (VCV000199249.15), dbSNP rs796065340, ClinGen allele CA248353.
Genomic context (GRCh38, chr2:178,706,895, plus strand): 5'-GATGTACTTCTCATGAAGTGCACTTACTTTCTACGACTCTGATACTCTGAGGTTCTGACA[C>CA]AAAAAAGAGTCTTCCATCTACCGCAGCTTTCTTGGTTGCTGGGGCCACAGCTGGTTTGTC-3'